The following is an entry in ClinVar:

NM_144670.6(A2ML1):c.492T>C (p.Asn164=)

Gene: A2ML1 (alpha-2-macroglobulin like 1; plus strand). Cytogenetic location: 12p13.31.
Variant type: single nucleotide variant.
Coding change: c.492T>C on transcript NM_144670.6 (MANE Select); coding-DNA position 492, T replaced by C.
Protein change: p.Asn164=; no amino-acid change (asparagine 164 retained).
Molecular consequence: synonymous variant.
Genome position (GRCh38, 1-based): chr12:8,835,515, T>C. VCF-style: chr12-8835515-T-C. GRCh37 (hg19) VCF-style: chr12-8988111-T-C.
Other names: c.492T>C (NM_144670.3).
Identifiers: ClinVar variation 1972029 (VCV001972029.6), dbSNP rs200136680, ClinGen allele CA6435347.
Genomic context (GRCh38, chr12:8,835,515, plus strand): 5'-CAGAGTGGGAAGCAAACGGGCAGGCACATCATGCAGTTTCTCTATTGGACAGGATCCAAA[T>C]AGCAACAGGATTGCACAGTGGCTGGAAGTGGTACCTGAGCAAGGCATTGTAGACCTGTCC-3'
Protein context (NP_653271.3, residues 154-174): KYSMVELQDP[Asn164=]SNRIAQWLEV

ClinVar aggregate classification (germline): Conflicting classifications of pathogenicity. Review status: criteria provided, conflicting classifications (1 of 4 stars). 2 submissions from 2 submitters: Uncertain significance (1); Likely benign (1). Last evaluated 2025-01-16.

Allele frequency attached by ClinVar (database versions not stated): ExAC 0.00001; gnomAD 0.00001; gnomAD exomes 0.00003; 1000 Genomes Project 30x 0.00016; 1000 Genomes Project 0.00020.
gnomAD v4.1: 41 of 1,614,018 alleles (0.0025%); highest among the groups gnomAD compares: Non-Finnish European, 0.0033%; no homozygotes.

Submissions (2):

Ambry Genetics
Classification: Likely benign. Last evaluated: 2025-01-16. Review status: criteria provided, single submitter. Criteria: Ambry Variant Classification Scheme 2023. Collection method: clinical testing. Allele origin: germline.

Labcorp Genetics (formerly Invitae), Labcorp
Classification: Uncertain significance. Last evaluated: 2023-07-19. Review status: criteria provided, single submitter. Criteria: Invitae Variant Classification Sherloc (09022015). Collection method: clinical testing. Allele origin: germline.
Comment: This sequence change affects codon 164 of the A2ML1 mRNA. It is a 'silent' change, meaning that it does not change the encoded amino acid sequence of the A2ML1 protein. This variant is present in population databases (rs200136680, gnomAD 0.007%). This variant has not been reported in the literature in individuals affected with A2ML1-related conditions. ClinVar contains an entry for this variant (Variation ID: 1972029). Algorithms developed to predict the effect of sequence changes on RNA splicing suggest that this variant may create or strengthen a splice site. In summary, the available evidence is currently insufficient to determine the role of this variant in disease. Therefore, it has been classified as a Variant of Uncertain Significance.